The following is an entry in ClinVar:

ClinVar aggregate classification (germline): Conflicting classifications of pathogenicity. Review status: criteria provided, conflicting classifications (1 of 4 stars). 2 submissions from 2 submitters: Likely pathogenic (1); Uncertain significance (1). Last evaluated 2025-10-24.

Conditions:
Glutaric aciduria, type 1. Also called: Glutaricacidemia Type 1; GA I; Glutaryl-CoA dehydrogenase deficiency; Glutaric acidemia type I; Glutaricaciduria, type I; Glutaric Acidemia Type 1. Identifiers: Orphanet 25, MedGen C0268595, MONDO:0009281, OMIM 231670.

Submissions (2):

Women's Health and Genetics/Laboratory Corporation of America, LabCorp
Classification: Uncertain significance. Last evaluated: 2025-10-24. Review status: criteria provided, single submitter. Criteria: LabCorp Variant Classification Summary - May 2015. Collection method: clinical testing. Allele origin: germline.
Comment: Variant summary: GCDH c.245G>C (p.Arg82Pro) results in a non-conservative amino acid change located in the Acyl-CoA dehydrogenase/oxidase, N-terminal domain (IPR013786) of the encoded protein sequence. Algorithms developed to predict the effect of missense changes on protein structure and function all suggest that this variant is likely to be disruptive. The variant was absent in 251404 control chromosomes (gnomAD). The available data on variant occurrences in the general population are insufficient to allow any conclusion about variant significance. c.245G>C has been reported in the literature in individuals affected with Glutaric Acidemia Type 1, however no all the information had been provided for analysis (example, Liu_2015). The report does not provide unequivocal conclusions about association of the variant with Glutaric Acidemia Type 1. To our knowledge, no experimental evidence demonstrating an impact on protein function has been reported. The following publications have been ascertained in the context of this evaluation (PMID: 25863083, 32508882). ClinVar contains an entry for this variant (Variation ID: 953920). Based on the evidence outlined above, the variant was classified as uncertain significance.

Labcorp Genetics (formerly Invitae), Labcorp
Classification: Likely pathogenic for Glutaric aciduria, type 1. Last evaluated: 2019-11-15. Review status: criteria provided, single submitter. Criteria: Invitae Variant Classification Sherloc (09022015). Collection method: clinical testing. Allele origin: germline.
Comment: In summary, the currently available evidence indicates that the variant is pathogenic, but additional data are needed to prove that conclusively. Therefore, this variant has been classified as Likely Pathogenic. Algorithms developed to predict the effect of missense changes on protein structure and function (SIFT, PolyPhen-2, Align-GVGD) all suggest that this variant is likely to be disruptive, but these predictions have not been confirmed by published functional studies and their clinical significance is uncertain. This variant has been observed in individual(s) with glutaric aciduria type I (PMID: 25863083). In at least one individual the data is consistent with the variant being in trans (on the opposite chromosome) from a pathogenic variant. This variant is not present in population databases (ExAC no frequency). This sequence change replaces arginine with proline at codon 82 of the GCDH protein (p.Arg82Pro). The arginine residue is highly conserved and there is a moderate physicochemical difference between arginine and proline.

Literature cited by the submitters: PubMed 32508882 (cited by Women's Health and Genetics/Laboratory Corporation of America, LabCorp); PubMed 25863083 (cited by Women's Health and Genetics/Laboratory Corporation of America, LabCorp and Labcorp Genetics (formerly Invitae), Labcorp).

NM_000159.4(GCDH):c.245G>C (p.Arg82Pro)

Gene: GCDH (glutaryl-CoA dehydrogenase; plus strand). Cytogenetic location: 19p13.13.
Variant type: single nucleotide variant.
Coding change: c.245G>C on transcript NM_000159.4 (MANE Select); coding-DNA position 245, G replaced by C.
Protein change: p.Arg82Pro; replaces arginine 82 with proline.
Molecular consequence: missense variant. On other transcripts: non-coding transcript variant (2).
Genome position (GRCh38, 1-based): chr19:12,891,948, G>C. VCF-style: chr19-12891948-G-C. GRCh37 (hg19) VCF-style: chr19-13002762-G-C.
Other names: c.245G>C, p.Arg82Pro (NM_013976.5); short protein forms R82P.
Identifiers: ClinVar variation 953920 (VCV000953920.13), dbSNP rs1568424857, ClinGen allele CA404315436.